The following is an entry in ClinVar:

NM_001330260.2(SCN8A):c.4402A>T (p.Asn1468Tyr)

Gene: SCN8A (sodium voltage-gated channel alpha subunit 8; plus strand). Cytogenetic location: 12q13.13.
Variant type: single nucleotide variant.
Coding change: c.4402A>T on transcript NM_001330260.2 (MANE Select); coding-DNA position 4402, A replaced by T.
Protein change: p.Asn1468Tyr; replaces asparagine 1468 with tyrosine.
Molecular consequence: missense variant.
Genome position (GRCh38, 1-based): chr12:51,789,401, A>T. VCF-style: chr12-51789401-A-T. GRCh37 (hg19) VCF-style: chr12-52183185-A-T.
Other names: c.4279A>T, p.Asn1427Tyr (NM_001177984.3, NM_001369788.1); c.4402A>T, p.Asn1468Tyr (NM_014191.4); short protein forms N1468Y, N1427Y.
Identifiers: ClinVar variation 3635205 (VCV003635205.2).
Genomic context (GRCh38, chr12:51,789,401, plus strand): 5'-ATCATCTTCGGCTCCTTCTTCACCCTGAACCTGTTCATTGGTGTCATCATTGATAACTTC[A>T]ATCAACAAAAGAAAAAGATAGGTCTCCTCCCCTCATTGCCAGTGGTTGGAAGTCAGCCCA-3'
Protein context (NP_001317189.1, residues 1458-1478): LFIGVIIDNF[Asn1468Tyr]QQKKKFGGQD

ClinVar aggregate classification (germline): Uncertain significance (1 of 4 stars; one submission).

Conditions:
Early-infantile DEE. Also called: Early infantile epileptic encephalopathy; Ohtahara syndrome; Early infantile epileptic encephalopathy with suppression bursts. Identifiers: Orphanet 1934, MedGen C0393706, MONDO:0800491.

Submission:

Labcorp Genetics (formerly Invitae), Labcorp
Classification: Uncertain significance for Early-infantile DEE. Last evaluated: 2024-05-26. Review status: criteria provided, single submitter. Criteria: Invitae Variant Classification Sherloc (09022015). Collection method: clinical testing. Allele origin: germline.
Comment: This sequence change replaces asparagine, which is neutral and polar, with tyrosine, which is neutral and polar, at codon 1468 of the SCN8A protein (p.Asn1468Tyr). This variant is not present in population databases (gnomAD no frequency). This variant has not been reported in the literature in individuals affected with SCN8A-related conditions. Advanced modeling of protein sequence and biophysical properties (such as structural, functional, and spatial information, amino acid conservation, physicochemical variation, residue mobility, and thermodynamic stability) performed at Invitae indicates that this missense variant is expected to disrupt SCN8A protein function with a positive predictive value of 95%. In summary, the available evidence is currently insufficient to determine the role of this variant in disease. Therefore, it has been classified as a Variant of Uncertain Significance.